The following is an entry in ClinVar:

ClinVar aggregate classification (germline): Uncertain significance (1 of 4 stars; one submission).

Conditions:
Glycogen storage disease type III (GSD3). Also called: Cori disease; FORBES DISEASE. Identifiers: Orphanet 366, MedGen C0017922, MONDO:0009291, OMIM 232400.

Allele frequency attached by ClinVar (database versions not stated): gnomAD exomes below 0.00001.
gnomAD v4.1: 3 of 1,614,144 alleles (0.00019%); highest among the groups gnomAD compares: Non-Finnish European, 0.00017%; no homozygotes.

Submission:

Labcorp Genetics (formerly Invitae), Labcorp
Classification: Uncertain significance for Glycogen storage disease type III. Last evaluated: 2023-08-10. Review status: criteria provided, single submitter. Criteria: Invitae Variant Classification Sherloc (09022015). Collection method: clinical testing. Allele origin: germline.
Comment: This variant has not been reported in the literature in individuals affected with AGL-related conditions. This variant is not present in population databases (gnomAD no frequency). This sequence change replaces glutamic acid, which is acidic and polar, with lysine, which is basic and polar, at codon 380 of the AGL protein (p.Glu380Lys). In summary, the available evidence is currently insufficient to determine the role of this variant in disease. Therefore, it has been classified as a Variant of Uncertain Significance. Advanced modeling of protein sequence and biophysical properties (such as structural, functional, and spatial information, amino acid conservation, physicochemical variation, residue mobility, and thermodynamic stability) performed at Invitae indicates that this missense variant is not expected to disrupt AGL protein function. ClinVar contains an entry for this variant (Variation ID: 2165182).

NM_000642.3(AGL):c.1138G>A (p.Glu380Lys)

Gene: AGL (amylo-alpha-1,6-glucosidase and 4-alpha-glucanotransferase; plus strand). Cytogenetic location: 1p21.2.
Variant type: single nucleotide variant.
Coding change: c.1138G>A on transcript NM_000642.3 (MANE Select); coding-DNA position 1138, G replaced by A.
Protein change: p.Glu380Lys; replaces glutamic acid 380 with lysine.
Molecular consequence: missense variant.
Genome position (GRCh38, 1-based): chr1:99,875,209, G>A. VCF-style: chr1-99875209-G-A. GRCh37 (hg19) VCF-style: chr1-100340765-G-A.
Other names: c.1138G>A, p.Glu380Lys (NM_000028.3, NM_000643.3, NM_000644.3 and 2 more transcripts); c.1090G>A, p.Glu364Lys (NM_000646.3); c.934G>A, p.Glu312Lys (NM_001425328.1, NM_001425329.1); c.760G>A, p.Glu254Lys (NM_001425332.1); short protein forms E380K, E364K, E254K, E312K.
Identifiers: ClinVar variation 2165182 (VCV002165182.4), dbSNP rs887582166, ClinGen allele CA27574021.